The following is an entry in ClinVar:

NM_004304.5(ALK):c.1584T>C (p.Ala528=)

Gene: ALK (ALK receptor tyrosine kinase; minus strand). Cytogenetic location: 2p23.2.
Variant type: single nucleotide variant.
Coding change: c.1584T>C on transcript NM_004304.5 (MANE Select); coding-DNA position 1584, T replaced by C.
Protein change: p.Ala528=; no amino-acid change (alanine 528 retained).
Molecular consequence: synonymous variant.
Genome position (GRCh38, 1-based): chr2:29,318,367, A>G on the plus strand (T>C on the coding strand, the complement: ALK is on the minus strand). VCF-style: chr2-29318367-A-G. GRCh37 (hg19) VCF-style: chr2-29541233-A-G.
Identifiers: ClinVar variation 697157 (VCV000697157.15), dbSNP rs368877224, ClinGen allele CA1594595.

ClinVar aggregate classification (germline): Likely benign. Review status: criteria provided, multiple submitters, no conflicts (2 of 4 stars). 3 submissions from 3 submitters: Likely benign (2). 1 of the submissions does not count toward it. Last evaluated 2026-01-30.

Conditions:
Neuroblastoma, susceptibility to, 3. Also called: ALK-Related Neuroblastic Tumor Susceptibility. Identifiers: Orphanet 635, MedGen C2751681, MONDO:0013083, OMIM 613014.
ALK-related disorder. Also called: ALK-related condition.
Hereditary cancer-predisposing syndrome. Also called: Tumor predisposition; Hereditary neoplastic syndrome; Hereditary Cancer Syndrome; Neoplastic Syndromes, Hereditary. Identifiers: Orphanet 140162, MedGen C0027672, MeSH D009386, MONDO:0015356.

Allele frequency attached by ClinVar (database versions not stated): gnomAD exomes 0.00002 and 0.00006; ExAC 0.00008; gnomAD 0.00019 and 0.00021; ESP Exome Variant Server 0.00023; TOPMed 0.00023.
gnomAD v4.1: 61 of 1,613,906 alleles (0.0038%); highest among the groups gnomAD compares: African/African-American, 0.067%; no homozygotes.

Submissions (3):

Labcorp Genetics (formerly Invitae), Labcorp
Classification: Likely benign for Neuroblastoma, susceptibility to, 3. Last evaluated: 2026-01-30. Review status: criteria provided, single submitter. Criteria: Invitae Variant Classification Sherloc (09022015). Collection method: clinical testing. Allele origin: germline.

Ambry Genetics
Classification: Likely benign for Hereditary cancer-predisposing syndrome. Last evaluated: 2022-02-12. Review status: criteria provided, single submitter. Criteria: Ambry Variant Classification Scheme 2023. Collection method: clinical testing. Allele origin: germline.

PreventionGenetics, part of Exact Sciences
Classification: Likely benign for ALK-related condition. Last evaluated: 2019-12-13. Review status: no assertion criteria provided. Collection method: clinical testing. Allele origin: germline. Not counted in ClinVar's aggregate classification.
Comment: This variant is classified as likely benign based on ACMG/AMP sequence variant interpretation guidelines (Richards et al. 2015 PMID: 25741868, with internal and published modifications).